The following is an entry in ClinVar:

ClinVar aggregate classification (germline): Uncertain significance. Review status: criteria provided, multiple submitters, no conflicts (2 of 4 stars). 2 submissions from 2 submitters: Uncertain significance (2). Last evaluated 2025-06-02.

Conditions:
Combined immunodeficiency due to OX40 deficiency. Also called: OX40 DEFICIENCY; Immunodeficiency 16. Identifiers: Orphanet 431149, MedGen C3810053, MONDO:0014268, OMIM 615593.

Allele frequency attached by ClinVar (database versions not stated): gnomAD 0.00004 and 0.00006; TOPMed 0.00006.

Submissions (2):

Labcorp Genetics (formerly Invitae), Labcorp
Classification: Uncertain significance for Combined immunodeficiency due to OX40 deficiency. Last evaluated: 2025-06-02. Review status: criteria provided, single submitter. Criteria: Invitae Variant Classification Sherloc (09022015). Collection method: clinical testing. Allele origin: germline.
Comment: This sequence change replaces proline, which is neutral and non-polar, with serine, which is neutral and polar, at codon 202 of the TNFRSF4 protein (p.Pro202Ser). This variant is present in population databases (rs776572462, gnomAD 0.04%). This variant has not been reported in the literature in individuals affected with TNFRSF4-related conditions. ClinVar contains an entry for this variant (Variation ID: 657155). An algorithm developed to predict the effect of missense changes on protein structure and function outputs the following: PolyPhen-2: "Benign". The serine amino acid residue is found in multiple mammalian species, which suggests that this missense change does not adversely affect protein function. In summary, the available evidence is currently insufficient to determine the role of this variant in disease. Therefore, it has been classified as a Variant of Uncertain Significance.

Ambry Genetics
Classification: Uncertain significance. Last evaluated: 2023-12-22. Review status: criteria provided, single submitter. Criteria: Ambry Variant Classification Scheme 2023. Collection method: clinical testing. Allele origin: germline.

NM_003327.4(TNFRSF4):c.604C>T (p.Pro202Ser)

Gene: TNFRSF4 (TNF receptor superfamily member 4; minus strand). Cytogenetic location: 1p36.33.
Variant type: single nucleotide variant.
Coding change: c.604C>T on transcript NM_003327.4 (MANE Select); coding-DNA position 604, C replaced by T.
Protein change: p.Pro202Ser; replaces proline 202 with serine.
Molecular consequence: missense variant.
Genome position (GRCh38, 1-based): chr1:1,211,972, G>A on the plus strand (C>T on the coding strand, the complement: TNFRSF4 is on the minus strand). VCF-style: chr1-1211972-G-A. GRCh37 (hg19) VCF-style: chr1-1147352-G-A.
Other names: c.604C>T, p.Pro202Ser (LRG_1319t1); short protein forms P202S.
Identifiers: ClinVar variation 657155 (VCV000657155.9), dbSNP rs776572462, ClinGen allele CA512413.